The following is an entry in ClinVar:

NM_001032283.3(TMPO):c.1080-4A>G

Gene: TMPO (thymopoietin; plus strand). Cytogenetic location: 12q23.1.
Variant type: single nucleotide variant.
Coding change: c.1080-4A>G on transcript NM_001032283.3 (MANE Select); 4 bases into the intron before coding-DNA position 1080, A replaced by G.
Molecular consequence: intron variant.
Genome position (GRCh38, 1-based): chr12:98,547,569, A>G. VCF-style: chr12-98547569-A-G. GRCh37 (hg19) VCF-style: chr12-98941347-A-G.
Other names: c.960-4A>G (NM_001307975.2); c.753-4A>G (NM_001032284.3).
Identifiers: ClinVar variation 3900183 (VCV003900183.1).

ClinVar aggregate classification (germline): Uncertain significance (1 of 4 stars; one submission).

gnomAD v4.1: 6 of 1,614,072 alleles (0.00037%); highest among the groups gnomAD compares: Non-Finnish European, 0.00042%; no homozygotes.

Submission:

GeneDx
Classification: Uncertain significance. Last evaluated: 2024-11-26. Review status: criteria provided, single submitter. Criteria: GeneDx Variant Classification Process June 2021. Collection method: clinical testing. Allele origin: germline. Affected: yes.
Comment: Not observed at significant frequency in large population cohorts (gnomAD); Has not been previously published as pathogenic or benign to our knowledge; In silico analysis is inconclusive as to whether the variant alters gene splicing. In the absence of RNA/functional studies, the actual effect of this sequence change is unknown